The following is an entry in ClinVar:

ClinVar aggregate classification (germline): Uncertain significance. Review status: criteria provided, multiple submitters, no conflicts (2 of 4 stars). 2 submissions from 2 submitters: Uncertain significance (2). Last evaluated 2025-07-07.

Allele frequency attached by ClinVar (database versions not stated): gnomAD exomes below 0.00001; gnomAD 0.00001; TOPMed 0.00001.
gnomAD v4.1: 4 of 1,613,994 alleles (0.00025%); highest among the groups gnomAD compares: Admixed American, 0.0017%; no homozygotes.

Submissions (2):

Labcorp Genetics (formerly Invitae), Labcorp
Classification: Uncertain significance. Last evaluated: 2025-07-07. Review status: criteria provided, single submitter. Criteria: Invitae Variant Classification Sherloc (09022015). Collection method: clinical testing. Allele origin: germline.
Comment: This sequence change replaces alanine, which is neutral and non-polar, with glycine, which is neutral and non-polar, at codon 904 of the COL9A1 protein (p.Ala904Gly). This variant is not present in population databases (gnomAD no frequency). This variant has not been reported in the literature in individuals affected with COL9A1-related conditions. ClinVar contains an entry for this variant (Variation ID: 943865). Invitae Evidence Modeling of protein sequence and biophysical properties (such as structural, functional, and spatial information, amino acid conservation, physicochemical variation, residue mobility, and thermodynamic stability) indicates that this missense variant is not expected to disrupt COL9A1 protein function with a negative predictive value of 95%. In summary, the available evidence is currently insufficient to determine the role of this variant in disease. Therefore, it has been classified as a Variant of Uncertain Significance.

Blueprint Genetics
Classification: Uncertain significance. Last evaluated: 2024-10-10. Review status: criteria provided, single submitter. Criteria: ACMG Guidelines, 2015. Collection method: clinical testing. Allele origin: germline.

NM_001851.6(COL9A1):c.2711C>G (p.Ala904Gly)

Gene: COL9A1 (collagen type IX alpha 1 chain; minus strand). Cytogenetic location: 6q13.
Variant type: single nucleotide variant.
Coding change: c.2711C>G on transcript NM_001851.6 (MANE Select); coding-DNA position 2711, C replaced by G.
Protein change: p.Ala904Gly; replaces alanine 904 with glycine.
Molecular consequence: missense variant. On other transcripts: non-coding transcript variant (1).
Genome position (GRCh38, 1-based): chr6:70,216,952, G>C on the plus strand (C>G on the coding strand, the complement: COL9A1 is on the minus strand). VCF-style: chr6-70216952-G-C. GRCh37 (hg19) VCF-style: chr6-70926655-G-C.
Other names: c.2012C>G, p.Ala671Gly (NM_001377289.1); c.1835C>G, p.Ala612Gly (NM_001377290.1); c.1982C>G, p.Ala661Gly (NM_078485.4); short protein forms A612G, A671G, A661G, A904G.
Identifiers: ClinVar variation 943865 (VCV000943865.8), dbSNP rs1028844209, ClinGen allele CA140833243.